The following is an entry in ClinVar:

NM_006514.4(SCN10A):c.2246A>G (p.Lys749Arg)

Gene: SCN10A (sodium voltage-gated channel alpha subunit 10; minus strand). Cytogenetic location: 3p22.2.
Variant type: single nucleotide variant.
Coding change: c.2246A>G on transcript NM_006514.4 (MANE Select); coding-DNA position 2246, A replaced by G.
Protein change: p.Lys749Arg; replaces lysine 749 with arginine.
Molecular consequence: missense variant.
Genome position (GRCh38, 1-based): chr3:38,739,549, T>C on the plus strand (A>G on the coding strand, the complement: SCN10A is on the minus strand). VCF-style: chr3-38739549-T-C. GRCh37 (hg19) VCF-style: chr3-38781040-T-C.
Other names: c.2246A>G, p.Lys749Arg (NM_001293306.2); c.1952A>G, p.Lys651Arg (NM_001293307.2); short protein forms K651R, K749R.
Identifiers: ClinVar variation 1709004 (VCV001709004.2), dbSNP rs2470724649, ClinGen allele CA352164151.

ClinVar aggregate classification (germline): Uncertain significance (1 of 4 stars; one submission).

Conditions:
Episodic pain syndrome, familial, 2 (FEPS2). Identifiers: Orphanet 306577, MedGen C3809893, MONDO:0014246, OMIM 615551.

Submission:

MGZ Medical Genetics Center
Classification: Uncertain significance for Episodic pain syndrome, familial, 2. Last evaluated: 2021-11-30. Review status: criteria provided, single submitter. Criteria: ACMG Guidelines, 2015. Collection method: clinical testing. Allele origin: germline. Affected: yes. Observed: 1 variant allele.
Comment: ACMG criteria applied: PM2_SUP, PP3